The following is an entry in ClinVar:

NM_018124.4(RFWD3):c.1459A>G (p.Met487Val)

Gene: RFWD3 (ring finger and WD repeat domain 3; minus strand). Cytogenetic location: 16q23.1.
Variant type: single nucleotide variant.
Coding change: c.1459A>G on transcript NM_018124.4 (MANE Select); coding-DNA position 1459, A replaced by G.
Protein change: p.Met487Val; replaces methionine 487 with valine.
Molecular consequence: missense variant.
Genome position (GRCh38, 1-based): chr16:74,632,641, T>C on the plus strand (A>G on the coding strand, the complement: RFWD3 is on the minus strand). VCF-style: chr16-74632641-T-C. GRCh37 (hg19) VCF-style: chr16-74666539-T-C.
Other names: c.1459A>G, p.Met487Val (NM_001370534.1, NM_001370535.1, NM_001370536.1); c.625A>G, p.Met209Val (NM_001370537.1, NM_001370539.1, NM_001370540.1 and 3 more transcripts); short protein forms M209V, M487V.
Identifiers: ClinVar variation 2795543 (VCV002795543.3), dbSNP rs202130447, ClinGen allele CA283743493.

ClinVar aggregate classification (germline): Uncertain significance (1 of 4 stars; one submission).

gnomAD v4.1: 4 of 1,614,030 alleles (0.00025%); highest among the groups gnomAD compares: African/African-American, 0.004%; no homozygotes.

Submission:

Labcorp Genetics (formerly Invitae), Labcorp
Classification: Uncertain significance. Last evaluated: 2022-11-13. Review status: criteria provided, single submitter. Criteria: Invitae Variant Classification Sherloc (09022015). Collection method: clinical testing. Allele origin: germline.
Comment: This sequence change replaces methionine, which is neutral and non-polar, with valine, which is neutral and non-polar, at codon 487 of the RFWD3 protein (p.Met487Val). This variant is present in population databases (no rsID available, gnomAD 0.006%). This variant has not been reported in the literature in individuals affected with RFWD3-related conditions. Algorithms developed to predict the effect of missense changes on protein structure and function (SIFT, PolyPhen-2, Align-GVGD) all suggest that this variant is likely to be tolerated. In summary, the available evidence is currently insufficient to determine the role of this variant in disease. Therefore, it has been classified as a Variant of Uncertain Significance.